The following is an entry in ClinVar:

ClinVar aggregate classification (germline): Uncertain significance. Review status: criteria provided, multiple submitters, no conflicts (2 of 4 stars). 3 submissions from 3 submitters: Uncertain significance (3). Last evaluated 2024-09-13.

Conditions:
Hereditary cancer-predisposing syndrome. Also called: Hereditary Cancer Syndrome; Neoplastic Syndromes, Hereditary; Tumor predisposition; Hereditary neoplastic syndrome. Identifiers: Orphanet 140162, MedGen C0027672, MeSH D009386, MONDO:0015356.
Hereditary nonpolyposis colorectal neoplasms. Identifiers: MedGen C0009405, MeSH D003123.

gnomAD v4.1: 2 of 1,614,150 alleles (0.00012%); highest among the groups gnomAD compares: East Asian, 0.0022%; no homozygotes.

Submissions (3):

Ambry Genetics
Classification: Uncertain significance for Hereditary cancer-predisposing syndrome. Last evaluated: 2024-09-13. Review status: criteria provided, single submitter. Criteria: Ambry Variant Classification Scheme 2023. Collection method: clinical testing. Allele origin: germline.
Comment: The p.L1063V variant (also known as c.3187C>G), located in coding exon 5 of the MSH6 gene, results from a C to G substitution at nucleotide position 3187. The leucine at codon 1063 is replaced by valine, an amino acid with highly similar properties. This amino acid position is well conserved in available vertebrate species. In addition, the in silico prediction for this alteration is inconclusive. Based on the available evidence, the clinical significance of this variant remains unclear.

Labcorp Genetics (formerly Invitae), Labcorp
Classification: Uncertain significance for Hereditary nonpolyposis colorectal neoplasms. Last evaluated: 2024-07-09. Review status: criteria provided, single submitter. Criteria: Invitae Variant Classification Sherloc (09022015). Collection method: clinical testing. Allele origin: germline.
Comment: This sequence change replaces leucine, which is neutral and non-polar, with valine, which is neutral and non-polar, at codon 1063 of the MSH6 protein (p.Leu1063Val). This variant is not present in population databases (gnomAD no frequency). This variant has not been reported in the literature in individuals affected with MSH6-related conditions. ClinVar contains an entry for this variant (Variation ID: 479898). Advanced modeling of protein sequence and biophysical properties (such as structural, functional, and spatial information, amino acid conservation, physicochemical variation, residue mobility, and thermodynamic stability) has been performed at Invitae for this missense variant, however the output from this modeling did not meet the statistical confidence thresholds required to predict the impact of this variant on MSH6 protein function. This variant disrupts the p.Leu1063 amino acid residue in MSH6. Other variant(s) that disrupt this residue have been determined to be pathogenic (PMID: 23733757, 26099011, 28531214). This suggests that this residue is clinically significant, and that variants that disrupt this residue are likely to be disease-causing. In summary, the available evidence is currently insufficient to determine the role of this variant in disease. Therefore, it has been classified as a Variant of Uncertain Significance.

Color Diagnostics, LLC DBA Color Health
Classification: Uncertain significance for Hereditary cancer-predisposing syndrome. Last evaluated: 2022-06-13. Review status: criteria provided, single submitter. Criteria: ACMG Guidelines, 2015. Collection method: clinical testing. Allele origin: germline.
Comment: This missense variant replaces leucine with valine at codon 1063 of the MSH6 protein. Computational prediction suggests that this variant may have deleterious impact on protein structure and function (internally defined REVEL score threshold >= 0.7, PMID: 27666373). To our knowledge, functional studies have not been reported for this variant. This variant has not been reported in individuals affected with hereditary cancer in the literature. This variant has not been identified in the general population by the Genome Aggregation Database (gnomAD). A different variant affecting the same codon, c.3188T>G (p.Leu1063Arg), is considered to be disease-causing (ClinVar variation ID: 410436), suggesting that the leucine at this position is important for the protein function. The available evidence is insufficient to determine the role of this variant in disease conclusively. Therefore, this variant is classified as a Variant of Uncertain Significance.

Literature cited by the submitters: PubMed 23733757 (cited by Labcorp Genetics (formerly Invitae), Labcorp); PubMed 26099011 (cited by Labcorp Genetics (formerly Invitae), Labcorp); PubMed 28531214 (cited by Labcorp Genetics (formerly Invitae), Labcorp).

NM_000179.3(MSH6):c.3187C>G (p.Leu1063Val)

Gene: MSH6 (mutS homolog 6; plus strand). Cytogenetic location: 2p16.3.
Variant type: single nucleotide variant.
Coding change: c.3187C>G on transcript NM_000179.3 (MANE Select); coding-DNA position 3187, C replaced by G.
Protein change: p.Leu1063Val; replaces leucine 1063 with valine.
Molecular consequence: missense variant.
Genome position (GRCh38, 1-based): chr2:47,803,434, C>G. VCF-style: chr2-47803434-C-G. GRCh37 (hg19) VCF-style: chr2-48030573-C-G.
Other names: c.2797C>G, p.Leu933Val (NM_001281492.2); c.2281C>G, p.Leu761Val (NM_001281493.2, NM_001281494.2); short protein forms L1063V, L761V, L933V.
Identifiers: ClinVar variation 479898 (VCV000479898.10), dbSNP rs1553331257, ClinGen allele CA346757842.
Genomic context (GRCh38, chr2:47,803,434, plus strand): 5'-AAACCCCCAAACGATGAAGCCTCACTTTTACCCTCTCTTTTAACAGATGTTTTACTGTGC[C>G]TGGCTAACTATAGTCGAGGGGGTGATGGTCCTATGTGTCGCCCAGTAATTCTGTTGCCGG-3'
Protein context (NP_000170.1, residues 1053-1073): CIAVLDVLLC[Leu1063Val]ANYSRGGDGP